The following is an entry in ClinVar:

NM_016616.5(NME8):c.1139+3A>G

Gene: NME8 (NME/NM23 family member 8; plus strand). Cytogenetic location: 7p14.1.
Variant type: single nucleotide variant.
Coding change: c.1139+3A>G on transcript NM_016616.5 (MANE Select); 3 bases into the intron after coding-DNA position 1139, A replaced by G.
Molecular consequence: intron variant.
Genome position (GRCh38, 1-based): chr7:37,884,450, A>G. VCF-style: chr7-37884450-A-G. GRCh37 (hg19) VCF-style: chr7-37924052-A-G.
Identifiers: ClinVar variation 2962538 (VCV002962538.4), dbSNP rs1341209366, ClinGen allele CA573961045.

ClinVar aggregate classification (germline): Uncertain significance. Review status: criteria provided, multiple submitters, no conflicts (2 of 4 stars). 2 submissions from 2 submitters: Uncertain significance (2). Last evaluated 2024-10-22.

Conditions:
Primary ciliary dyskinesia 6. Also called: Primary Ciliary Dyskinesia 6: TXNDC3-Related Primary Ciliary Dyskinesia. Identifiers: Orphanet 244, MedGen C1970506, MONDO:0012571, OMIM 610852.

Allele frequency attached by ClinVar (database versions not stated): gnomAD exomes below 0.00001; gnomAD 0.00001.
gnomAD v4.1: 5 of 1,608,472 alleles (0.00031%); highest among the groups gnomAD compares: Admixed American, 0.0017%; no homozygotes.

Submissions (2):

Blueprint Genetics
Classification: Uncertain significance. Last evaluated: 2024-10-22. Review status: criteria provided, single submitter. Criteria: ACMG Guidelines, 2015. Collection method: clinical testing. Allele origin: germline.

Labcorp Genetics (formerly Invitae), Labcorp
Classification: Uncertain significance for Primary ciliary dyskinesia 6. Last evaluated: 2023-07-22. Review status: criteria provided, single submitter. Criteria: Invitae Variant Classification Sherloc (09022015). Collection method: clinical testing. Allele origin: germline.
Comment: Variants that disrupt the consensus splice site are a relatively common cause of aberrant splicing (PMID: 17576681, 9536098). Algorithms developed to predict the effect of sequence changes on RNA splicing suggest that this variant may disrupt the consensus splice site. This variant has not been reported in the literature in individuals affected with NME8-related conditions. This variant is present in population databases (no rsID available, gnomAD 0.007%). This sequence change falls in intron 13 of the NME8 gene. It does not directly change the encoded amino acid sequence of the NME8 protein. It affects a nucleotide within the consensus splice site. In summary, the available evidence is currently insufficient to determine the role of this variant in disease. Therefore, it has been classified as a Variant of Uncertain Significance.

Literature cited by the submitters: PubMed 17576681 (cited by Labcorp Genetics (formerly Invitae), Labcorp); PubMed 9536098 (cited by Labcorp Genetics (formerly Invitae), Labcorp).